The following is an entry in ClinVar:

ClinVar aggregate classification (germline): Conflicting classifications of pathogenicity. Review status: criteria provided, conflicting classifications (1 of 4 stars). 3 submissions from 3 submitters: Likely pathogenic (1); Uncertain significance (1). 1 of the submissions does not count toward it. Last evaluated 2021-04-06.

Conditions:
NPHS1-related disorder. Also called: NPHS1-related condition.
Nephrotic syndrome. Identifiers: MedGen C0027726, MONDO:0005377, HP:0000100.

Submissions (3):

GeneDx
Classification: Uncertain significance. Last evaluated: 2021-04-06. Review status: criteria provided, single submitter. Criteria: GeneDx Variant Classification Process June 2021. Collection method: clinical testing. Allele origin: germline. Affected: yes.
Comment: Not observed in large population cohorts (Lek et al., 2016); In silico analysis supports that this missense variant has a deleterious effect on protein structure/function; This variant is associated with the following publications: (PMID: 25349199)

Blueprint Genetics
Classification: Likely pathogenic for NPHS1-related disorders. Last evaluated: 2017-07-07. Review status: criteria provided, single submitter. Criteria: ACMG Guidelines, 2015. Collection method: clinical testing. Allele origin: germline. Affected: yes. Observed: 1 variant allele.

Yale Center for Mendelian Genomics, Yale University
Classification: Likely pathogenic for Nephrotic syndrome. Last evaluated: 2017-11-10. Review status: no assertion criteria provided. Collection method: literature only. Allele origin: germline. Affected: yes. Observed: 1 homozygote. Study: Yale Center for Mendelian Genomics. Not counted in ClinVar's aggregate classification.

Literature cited by the submitters: PubMed 29127259 (cited by Yale Center for Mendelian Genomics, Yale University).

NM_004646.4(NPHS1):c.2020C>A (p.Pro674Thr)

Gene: NPHS1 (NPHS1 adhesion molecule, nephrin; minus strand). Cytogenetic location: 19q13.12.
Variant type: single nucleotide variant.
Coding change: c.2020C>A on transcript NM_004646.4 (MANE Select); coding-DNA position 2020, C replaced by A.
Protein change: p.Pro674Thr; replaces proline 674 with threonine.
Molecular consequence: missense variant.
Genome position (GRCh38, 1-based): chr19:35,844,370, G>T on the plus strand (C>A on the coding strand, the complement: NPHS1 is on the minus strand). VCF-style: chr19-35844370-G-T. GRCh37 (hg19) VCF-style: chr19-36335272-G-T.
Other names: short protein forms P674T.
Identifiers: ClinVar variation 1303253 (VCV001303253.4), dbSNP rs2146822238, ClinGen allele CA405397887.